The following is an entry in ClinVar:

NM_015041.3(CLUAP1):c.1202G>A (p.Arg401Gln)

Gene: CLUAP1 (clusterin associated protein 1; plus strand). Cytogenetic location: 16p13.3.
Variant type: single nucleotide variant.
Coding change: c.1202G>A on transcript NM_015041.3 (MANE Select); coding-DNA position 1202, G replaced by A.
Protein change: p.Arg401Gln; replaces arginine 401 with glutamine.
Molecular consequence: missense variant.
Genome position (GRCh38, 1-based): chr16:3,536,231, G>A. VCF-style: chr16-3536231-G-A. GRCh37 (hg19) VCF-style: chr16-3586231-G-A.
Other names: c.1259G>A, p.Arg420Gln (NM_001330454.2); c.704G>A, p.Arg235Gln (NM_024793.3); short protein forms R401Q, R235Q, R420Q.
Identifiers: ClinVar variation 1919598 (VCV001919598.5), dbSNP rs1327474475, ClinGen allele CA394516629.

ClinVar aggregate classification (germline): Uncertain significance (1 of 4 stars; one submission).

Allele frequency attached by ClinVar (database versions not stated): TOPMed 0.00001.

Submission:

Labcorp Genetics (formerly Invitae), Labcorp
Classification: Uncertain significance. Last evaluated: 2024-08-04. Review status: criteria provided, single submitter. Criteria: Invitae Variant Classification Sherloc (09022015). Collection method: clinical testing. Allele origin: germline.
Comment: This sequence change replaces arginine, which is basic and polar, with glutamine, which is neutral and polar, at codon 401 of the CLUAP1 protein (p.Arg401Gln). This variant is present in population databases (no rsID available, gnomAD 0.0009%). This variant has not been reported in the literature in individuals affected with CLUAP1-related conditions. ClinVar contains an entry for this variant (Variation ID: 1919598). Advanced modeling of protein sequence and biophysical properties (such as structural, functional, and spatial information, amino acid conservation, physicochemical variation, residue mobility, and thermodynamic stability) performed at Invitae indicates that this missense variant is not expected to disrupt CLUAP1 protein function with a negative predictive value of 80%. In summary, the available evidence is currently insufficient to determine the role of this variant in disease. Therefore, it has been classified as a Variant of Uncertain Significance.